The following is an entry in ClinVar:

NM_138387.4(G6PC3):c.326-2A>G

Gene: G6PC3 (glucose-6-phosphatase catalytic subunit 3; plus strand). Cytogenetic location: 17q21.31.
Variant type: single nucleotide variant.
Coding change: c.326-2A>G on transcript NM_138387.4 (MANE Select); the canonical splice acceptor site of the intron before coding-DNA position 326, A replaced by G.
Molecular consequence: splice acceptor variant.
Genome position (GRCh38, 1-based): chr17:44,074,678, A>G. VCF-style: chr17-44074678-A-G. GRCh37 (hg19) VCF-style: chr17-42152046-A-G.
Other names: c.-20-2A>G (NM_001384168.1, NM_001384165.1, NM_001384166.1 and 1 more transcripts); c.326-2A>G (NM_001319945.2).
Identifiers: ClinVar variation 3676334 (VCV003676334.2).

ClinVar aggregate classification (germline): Likely pathogenic (1 of 4 stars; one submission).

Conditions:
Autosomal recessive severe congenital neutropenia due to G6PC3 deficiency. Also called: NEUTROPENIA, SEVERE CONGENITAL, 4, AUTOSOMAL RECESSIVE; G6PC3 Deficiency. Identifiers: Orphanet 331176, MedGen C2751630, MONDO:0012930, OMIM 612541.

gnomAD v4.1: 1 of 1,614,174 alleles (0.000062%); highest among the groups gnomAD compares: East Asian, 0.0022%; no homozygotes.

Submission:

Labcorp Genetics (formerly Invitae), Labcorp
Classification: Likely pathogenic for Autosomal recessive severe congenital neutropenia due to G6PC3 deficiency. Last evaluated: 2024-03-26. Review status: criteria provided, single submitter. Criteria: Invitae Variant Classification Sherloc (09022015). Collection method: clinical testing. Allele origin: germline.
Comment: This sequence change affects an acceptor splice site in intron 2 of the G6PC3 gene. It is expected to disrupt RNA splicing. Variants that disrupt the donor or acceptor splice site typically lead to a loss of protein function (PMID: 16199547), and loss-of-function variants in G6PC3 are known to be pathogenic (PMID: 19118303, 25491320). This variant is not present in population databases (gnomAD no frequency). Disruption of this splice site has been observed in individual(s) with clinical features of severe congenital neutropenia (PMID: 31321910). Algorithms developed to predict the effect of sequence changes on RNA splicing suggest that this variant may disrupt the consensus splice site. In summary, the currently available evidence indicates that the variant is pathogenic, but additional data are needed to prove that conclusively. Therefore, this variant has been classified as Likely Pathogenic.

Literature cited by the submitters: PubMed 16199547; PubMed 19118303; PubMed 25491320; PubMed 31321910.